The following is an entry in ClinVar:

NM_015272.5(RPGRIP1L):c.1844C>A (p.Thr615Asn)

Gene: RPGRIP1L (RPGRIP1 like; minus strand). Cytogenetic location: 16q12.2.
Variant type: single nucleotide variant.
Coding change: c.1844C>A on transcript NM_015272.5 (MANE Select); coding-DNA position 1844, C replaced by A.
Protein change: p.Thr615Asn; replaces threonine 615 with asparagine.
Molecular consequence: missense variant.
Genome position (GRCh38, 1-based): chr16:53,652,843, G>T on the plus strand (C>A on the coding strand, the complement: RPGRIP1L is on the minus strand). VCF-style: chr16-53652843-G-T. GRCh37 (hg19) VCF-style: chr16-53686755-G-T.
Other names: c.1844C>A (NM_015272.4); c.1844C>A, p.Thr615Asn (NM_001127897.4, NM_001308334.3, NM_001330538.2); short protein forms T615N.
Identifiers: ClinVar variation 2169733 (VCV002169733.5), dbSNP rs751316007, ClinGen allele CA8057689.

ClinVar aggregate classification (germline): Conflicting classifications of pathogenicity. Review status: criteria provided, conflicting classifications (1 of 4 stars). 3 submissions from 3 submitters: Uncertain significance (2); Likely benign (1). Last evaluated 2025-11-24.

Conditions:
RPGRIP1L-related disorder. Also called: RPGRIP1L-related disorders; RPGRIP1L-related condition. Identifiers: MedGen CN239416.
Meckel-Gruber syndrome. Also called: DYSENCEPHALIA SPLANCHNOCYSTICA; GRUBER SYNDROME; Dysencephalia splachnocystica. Identifiers: Orphanet 564, MedGen C0265215, MONDO:0018921.
Joubert syndrome. Also called: JOUBERT-BOLTSHAUSER SYNDROME; Familial aplasia of the vermis. Identifiers: Orphanet 475, MedGen C5979921, MONDO:0018772.

Allele frequency attached by ClinVar (database versions not stated): gnomAD exomes 0.00001; gnomAD 0.00002; ExAC 0.00010.

Submissions (3):

PreventionGenetics, part of Exact Sciences
Classification: Uncertain significance for RPGRIP1L-related condition. Last evaluated: 2025-11-24. Review status: criteria provided, single submitter. Criteria: ACMG Guidelines, 2015. Collection method: clinical testing. Allele origin: germline.
Comment: The RPGRIP1L c.1844C>A variant is predicted to result in the amino acid substitution p.Thr615Asn. To our knowledge, this variant has not been reported in the literature. This variant is reported in 0.12% of alleles in individuals of East Asian descent in gnomAD. An alternate missense change at the same amino acid position has been reported as pathogenic (p.Thr615Pro; Szymanska et al. 2012. PubMed ID: 23351400). At this time, the clinical significance of this variant is uncertain due to the absence of conclusive functional and genetic evidence.

Blueprint Genetics
Classification: Likely benign. Last evaluated: 2024-10-07. Review status: criteria provided, single submitter. Criteria: ACMG Guidelines, 2015. Collection method: clinical testing. Allele origin: germline.

Labcorp Genetics (formerly Invitae), Labcorp
Classification: Uncertain significance for Joubert syndrome; Meckel-Gruber syndrome. Last evaluated: 2021-08-27. Review status: criteria provided, single submitter. Criteria: Invitae Variant Classification Sherloc (09022015). Collection method: clinical testing. Allele origin: germline.
Comment: This sequence change replaces threonine with asparagine at codon 615 of the RPGRIP1L protein (p.Thr615Asn). The threonine residue is weakly conserved and there is a small physicochemical difference between threonine and asparagine. This variant is present in population databases (rs751316007, ExAC 0.1%). This variant has not been reported in the literature in individuals affected with RPGRIP1L-related conditions. Algorithms developed to predict the effect of missense changes on protein structure and function (SIFT, PolyPhen-2, Align-GVGD) all suggest that this variant is likely to be tolerated. This variant disrupts the p.Thr615 amino acid residue in RPGRIP1L. Other variant(s) that disrupt this residue have been determined to be pathogenic (PMID: 17558407, 17558409, 18565097, 21866095). This suggests that this residue is clinically significant, and that variants that disrupt this residue are likely to be disease-causing. In summary, the available evidence is currently insufficient to determine the role of this variant in disease. Therefore, it has been classified as a Variant of Uncertain Significance.

Literature cited by the submitters: PubMed 17558407 (cited by Labcorp Genetics (formerly Invitae), Labcorp); PubMed 17558409 (cited by Labcorp Genetics (formerly Invitae), Labcorp); PubMed 18565097 (cited by Labcorp Genetics (formerly Invitae), Labcorp); PubMed 21866095 (cited by Labcorp Genetics (formerly Invitae), Labcorp).